The following is an entry in ClinVar:

NM_198880.3(QRICH1):c.1718A>T (p.Tyr573Phe)

Gene: QRICH1 (glutamine rich 1; minus strand). Cytogenetic location: 3p21.31.
Variant type: single nucleotide variant.
Coding change: c.1718A>T on transcript NM_198880.3 (MANE Select); coding-DNA position 1718, A replaced by T.
Protein change: p.Tyr573Phe; replaces tyrosine 573 with phenylalanine.
Molecular consequence: missense variant.
Genome position (GRCh38, 1-based): chr3:49,044,458, T>A on the plus strand (A>T on the coding strand, the complement: QRICH1 is on the minus strand). VCF-style: chr3-49044458-T-A. GRCh37 (hg19) VCF-style: chr3-49081891-T-A.
Other names: c.1718A>T, p.Tyr573Phe (NM_001320580.2, NM_001320581.2, NM_001320582.2 and 4 more transcripts); short protein forms Y573F.
Identifiers: ClinVar variation 3899758 (VCV003899758.1).

ClinVar aggregate classification (germline): Uncertain significance (1 of 4 stars; one submission).

gnomAD v4.1: 1 of 1,613,760 alleles (0.000062%); highest among the groups gnomAD compares: Non-Finnish European, 0.000085%; no homozygotes.

Submission:

GeneDx
Classification: Uncertain significance. Last evaluated: 2024-11-14. Review status: criteria provided, single submitter. Criteria: GeneDx Variant Classification Process June 2021. Collection method: clinical testing. Allele origin: germline. Affected: yes.
Comment: Not observed at significant frequency in large population cohorts (gnomAD); In silico analysis supports that this missense variant has a deleterious effect on protein structure/function; Has not been previously published as pathogenic or benign to our knowledge